The following is an entry in ClinVar:

ClinVar aggregate classification (germline): Pathogenic/Likely pathogenic. Review status: criteria provided, multiple submitters, no conflicts (2 of 4 stars). 3 submissions from 3 submitters: Pathogenic (2); Likely pathogenic (1). Last evaluated 2026-01-11.

Conditions:
Multiple congenital anomalies-hypotonia-seizures syndrome 1 (MCAHS1). Also called: PIGN-CDG; Congenital disorder of glycosylation due to PIGN deficiency; GLYCOSYLPHOSPHATIDYLINOSITOL BIOSYNTHESIS DEFECT 3. Identifiers: Orphanet 280633, MedGen C3279775, MONDO:0013563, OMIM 614080.

Submissions (3):

Labcorp Genetics (formerly Invitae), Labcorp
Classification: Pathogenic for Multiple congenital anomalies-hypotonia-seizures syndrome 1. Last evaluated: 2026-01-11. Review status: criteria provided, single submitter. Criteria: Invitae Variant Classification Sherloc (09022015). Collection method: clinical testing. Allele origin: germline.
Comment: This sequence change creates a premature translational stop signal (p.Ala273Glyfs*30) in the PIGN gene. It is expected to result in an absent or disrupted protein product. Loss-of-function variants in PIGN are known to be pathogenic (PMID: 24253414, 27038415). This variant is present in population databases (no rsID available, gnomAD 0.004%). This variant has not been reported in the literature in individuals affected with PIGN-related conditions. ClinVar contains an entry for this variant (Variation ID: 2201742). For these reasons, this variant has been classified as Pathogenic.

Dasa
Classification: Pathogenic. Last evaluated: 2024-08-30. Review status: criteria provided, single submitter. Criteria: DASA Assertion Criteria. Collection method: clinical testing. Allele origin: germline.
Comment: NM_176787.5(PIGN):c.817dup (p.Ala273Glyfs*30) introduces a premature termination codon predicted to result in loss of normal protein function. Loss-of-function is an established mechanism of disease for this gene. The variant is present at low frequency in population datasets. Based on the available data, this variant is classified as pathogenic.

Laboratorio de Genetica e Diagnostico Molecular, Hospital Israelita Albert Einstein
Classification: Likely pathogenic for Multiple congenital anomalies-hypotonia-seizures syndrome 1. Last evaluated: 2023-10-13. Review status: criteria provided, single submitter. Criteria: ACMG Guidelines, 2015. Collection method: clinical testing. Allele origin: germline. Affected: yes.
Comment: ACMG classification criteria: PVS1 very strong, PM2 moderate

Literature cited by the submitters: PubMed 24253414 (cited by Labcorp Genetics (formerly Invitae), Labcorp); PubMed 27038415 (cited by Labcorp Genetics (formerly Invitae), Labcorp).

NM_176787.5(PIGN):c.817dup (p.Ala273fs)

Gene: PIGN (phosphatidylinositol glycan anchor biosynthesis class N; minus strand). Cytogenetic location: 18q21.33.
Variant type: Duplication.
Coding change: c.817dup on transcript NM_176787.5 (MANE Select); coding-DNA position 817, one base duplicated (G; older notation c.817dupG).
Protein change: p.Ala273fs; shifts the reading frame from alanine 273.
Molecular consequence: frameshift variant.
Genome position (GRCh38, 1-based): chr18:62,146,014, C duplicated on the plus strand (G on the coding strand, the reverse complement: PIGN is on the minus strand); the first of 4 consecutive C bases (chr18:62,146,014-62,146,017); duplicating any one gives the same sequence. VCF-style (leftmost placement, unchanged base first): chr18-62146013-G-GC. GRCh37 (hg19) VCF-style: chr18-59813246-G-GC.
Other names: c.817dup, p.Ala273fs (NM_012327.6); short protein forms A273fs.
Identifiers: ClinVar variation 2201742 (VCV002201742.6), dbSNP rs1486949098, ClinGen allele CA630104898.